The following is an entry in ClinVar:

NM_177438.3(DICER1):c.2256+1G>C

Gene: DICER1 (dicer 1, ribonuclease III; minus strand). Cytogenetic location: 14q32.13.
Variant type: single nucleotide variant.
Coding change: c.2256+1G>C on transcript NM_177438.3 (MANE Select); the canonical splice donor site of the intron after coding-DNA position 2256, G replaced by C.
Molecular consequence: splice donor variant. On other transcripts: missense variant (1).
Genome position (GRCh38, 1-based): chr14:95,111,316, C>G on the plus strand (G>C on the coding strand, the complement: DICER1 is on the minus strand). VCF-style: chr14-95111316-C-G. GRCh37 (hg19) VCF-style: chr14-95577653-C-G.
Other names: c.1852G>C, p.Val618Leu (NM_001395698.1); c.2256+1G>C (NM_001291628.2, NM_030621.4, NM_001395677.1 and 12 more transcripts); c.1851+1G>C (NM_001395690.1, NM_001395687.1, NM_001395689.1 and 2 more transcripts); c.1974+1G>C (NM_001395686.1); c.1689+1G>C (NM_001395691.1); c.573+1G>C (NM_001395697.1); short protein forms V618L.
Identifiers: ClinVar variation 933009 (VCV000933009.3), dbSNP rs1131691231, ClinGen allele CA390882459.
Genomic context (GRCh38, chr14:95,111,316, plus strand): 5'-GATGTAGCGGAAAACAAAGTCAGAAATGCTAGGTTTTTACTCTGTTCTAACCAATACTAA[C>G]TGCTTTTGGGTAGCACTGCCTTCGTTTCGTGGAACCTGGTCTTCCTGGAACACTGGTCTC-3'

ClinVar aggregate classification (germline): Pathogenic (1 of 4 stars; one submission).

Conditions:
DICER1-related tumor predisposition. Also called: DICER1-related pleuropulmonary blastoma cancer predisposition syndrome; DICER1 syndrome. Identifiers: Orphanet 284343, MedGen C3839822, MONDO:0100216.

Submission:

Foulkes Cancer Genetics LDI, Lady Davis Institute for Medical Research
Classification: Pathogenic for Pleuropulmonary blastoma. Last evaluated: 2019-07-01. Review status: criteria provided, single submitter. Criteria: ACMG Guidelines, 2015. Collection method: curation. Allele origin: germline. Affected: yes. Observed: 1 variant allele.
Comment: ACMG criteria met: PVS1, PM2, PM7

Literature cited by the submitters: PubMed 30260442.